The following is an entry in ClinVar:

NM_016580.4(PCDH12):c.3246_3271delinsTGCCTTGCTGGT (p.Glu1082fs)

Gene: PCDH12 (protocadherin 12; minus strand). Cytogenetic location: 5q31.3.
Variant type: Indel.
Coding change: c.3246_3271delinsTGCCTTGCTGGT on transcript NM_016580.4 (MANE Select); coding-DNA positions 3246 to 3271, GGAGCCAAGGACCTTCCAGACGTTCG replaced by TGCCTTGCTGGT.
Protein change: p.Glu1082fs; shifts the reading frame from glutamic acid 1082.
Molecular consequence: frameshift variant.
Genome position (GRCh38, 1-based): chr5:141,945,665-141,945,690, CGAACGTCTGGAAGGTCCTTGGCTCC replaced by ACCAGCAAGGCA on the plus strand (GGAGCCAAGGACCTTCCAGACGTTCG replaced by TGCCTTGCTGGT on the coding strand, the reverse complement: PCDH12 is on the minus strand). GRCh37 (hg19): chr5:141,325,230-141,325,255.
Other names: short protein forms E1082fs.
Identifiers: ClinVar variation 2020852 (VCV002020852.4), dbSNP rs2532530405, ClinGen allele CA2580073010.

ClinVar aggregate classification (germline): Uncertain significance (1 of 4 stars; one submission).

Submission:

Labcorp Genetics (formerly Invitae), Labcorp
Classification: Uncertain significance. Last evaluated: 2021-12-12. Review status: criteria provided, single submitter. Criteria: Invitae Variant Classification Sherloc (09022015). Collection method: clinical testing. Allele origin: germline.
Comment: In summary, the available evidence is currently insufficient to determine the role of this variant in disease. Therefore, it has been classified as a Variant of Uncertain Significance. Experimental studies and prediction algorithms are not available or were not evaluated, and the functional significance of this variant is currently unknown. This variant has not been reported in the literature in individuals affected with PCDH12-related conditions. This variant is present in population databases (no rsID available, gnomAD 0.003%). This sequence change creates a premature translational stop signal (p.Glu1082Aspfs*85) in the PCDH12 gene. While this is not anticipated to result in nonsense mediated decay, it is expected to disrupt the last 103 amino acid(s) of the PCDH12 protein.